The following is an entry in ClinVar:

ClinVar aggregate classification (germline): Uncertain significance (1 of 4 stars; one submission).

Submission:

Labcorp Genetics (formerly Invitae), Labcorp
Classification: Uncertain significance. Last evaluated: 2021-06-06. Review status: criteria provided, single submitter. Criteria: Invitae Variant Classification Sherloc (09022015). Collection method: clinical testing. Allele origin: germline.
Comment: This sequence change replaces glycine with alanine at codon 528 of the DCHS1 protein (p.Gly528Ala). The glycine residue is moderately conserved and there is a small physicochemical difference between glycine and alanine. This variant is not present in population databases (ExAC no frequency). This variant has not been reported in the literature in individuals with DCHS1-related conditions. Advanced modeling of protein sequence and biophysical properties (such as structural, functional, and spatial information, amino acid conservation, physicochemical variation, residue mobility, and thermodynamic stability) performed at Invitae indicates that this missense variant is expected to disrupt DCHS1 protein function. In summary, the available evidence is currently insufficient to determine the role of this variant in disease. Therefore, it has been classified as a Variant of Uncertain Significance.

NM_003737.4(DCHS1):c.1583G>C (p.Gly528Ala)

Gene: DCHS1 (dachsous cadherin-related 1; minus strand). Cytogenetic location: 11p15.4.
Variant type: single nucleotide variant.
Coding change: c.1583G>C on transcript NM_003737.4 (MANE Select); coding-DNA position 1583, G replaced by C.
Protein change: p.Gly528Ala; replaces glycine 528 with alanine.
Molecular consequence: missense variant.
Genome position (GRCh38, 1-based): chr11:6,640,031, C>G on the plus strand (G>C on the coding strand, the complement: DCHS1 is on the minus strand). VCF-style: chr11-6640031-C-G. GRCh37 (hg19) VCF-style: chr11-6661262-C-G.
Other names: short protein forms G528A.
Identifiers: ClinVar variation 1443410 (VCV001443410.8), dbSNP rs2134643422, ClinGen allele CA379430956.